The following is an entry in ClinVar:

ClinVar aggregate classification (germline): Uncertain significance. Review status: criteria provided, single submitter (1 of 4 stars). 2 submissions from 2 submitters: Uncertain significance (1). 1 of the submissions does not count toward it. Last evaluated 2025-11-04.

Conditions:
Legius syndrome. Identifiers: Orphanet 137605, MedGen C1969623, MONDO:0012669, OMIM 611431. Disease mechanism: loss of function.

Submissions (2):

Labcorp Genetics (formerly Invitae), Labcorp
Classification: Uncertain significance for Legius syndrome. Last evaluated: 2025-11-04. Review status: criteria provided, single submitter. Criteria: Invitae Variant Classification Sherloc (09022015). Collection method: clinical testing. Allele origin: germline.
Comment: This sequence change replaces glycine, which is neutral and non-polar, with aspartic acid, which is acidic and polar, at codon 100 of the SPRED1 protein (p.Gly100Asp). This variant is not present in population databases (gnomAD no frequency). This missense change has been observed in individuals with clinical features of Legius syndrome and/or clinical features of SPRED1-related conditions (PMID: 26635368; internal data). ClinVar contains an entry for this variant (Variation ID: 492892). Invitae Evidence Modeling of protein sequence and biophysical properties (such as structural, functional, and spatial information, amino acid conservation, physicochemical variation, residue mobility, and thermodynamic stability) indicates that this missense variant is expected to disrupt SPRED1 protein function with a positive predictive value of 80%. Experimental studies have shown that this missense change affects SPRED1 function (PMID: 26635368). In summary, the available evidence is currently insufficient to determine the role of this variant in disease. Therefore, it has been classified as a Variant of Uncertain Significance.

Clinical Molecular Genetics Laboratory, Johns Hopkins All Children's Hospital
Classification: Uncertain significance for Legius syndrome. Last evaluated: 2017-08-08. Review status: no assertion criteria provided. Collection method: clinical testing. Allele origin: germline. Affected: yes. Not counted in ClinVar's aggregate classification.

Literature cited by the submitters: PubMed 26635368 (cited by Labcorp Genetics (formerly Invitae), Labcorp).

NM_152594.3(SPRED1):c.299G>A (p.Gly100Asp)

Gene: SPRED1 (sprouty related EVH1 domain containing 1; plus strand). Cytogenetic location: 15q14.
Variant type: single nucleotide variant.
Coding change: c.299G>A on transcript NM_152594.3 (MANE Select); coding-DNA position 299, G replaced by A.
Protein change: p.Gly100Asp; replaces glycine 100 with aspartic acid.
Molecular consequence: missense variant.
Genome position (GRCh38, 1-based): chr15:38,322,332, G>A. VCF-style: chr15-38322332-G-A. GRCh37 (hg19) VCF-style: chr15-38614533-G-A.
Other names: short protein forms G100D.
Identifiers: ClinVar variation 492892 (VCV000492892.2), dbSNP rs1555391048, ClinGen allele CA391932095.